The following is an entry in ClinVar:

ClinVar aggregate classification (germline): Uncertain significance. Review status: criteria provided, multiple submitters, no conflicts (2 of 4 stars). 2 submissions from 2 submitters: Uncertain significance (2). Last evaluated 2024-06-09.

Conditions:
Cardiovascular phenotype. Identifiers: MedGen CN230736.

Submissions (2):

Ambry Genetics
Classification: Uncertain significance for Cardiovascular phenotype. Last evaluated: 2024-06-09. Review status: criteria provided, single submitter. Criteria: Ambry Variant Classification Scheme 2023. Collection method: clinical testing. Allele origin: germline.
Comment: The p.D2237E variant (also known as c.6711T>G), located in coding exon 26 of the APOB gene, results from a T to G substitution at nucleotide position 6711. The aspartic acid at codon 2237 is replaced by glutamic acid, an amino acid with highly similar properties. This amino acid position is conserved. In addition, this alteration is predicted to be tolerated by in silico analysis. Based on the available evidence, the clinical significance of this variant remains unclear.

Mayo Clinic Laboratories, Mayo Clinic
Classification: Uncertain significance. Last evaluated: 2023-10-26. Review status: criteria provided, single submitter. Criteria: ACMG Guidelines, 2015. Collection method: clinical testing. Allele origin: germline. Observed: 1 variant allele.
Comment: BP4, PM2

NM_000384.3(APOB):c.6711T>G (p.Asp2237Glu)

Gene: APOB (apolipoprotein B; minus strand). Cytogenetic location: 2p24.1.
Variant type: single nucleotide variant.
Coding change: c.6711T>G on transcript NM_000384.3 (MANE Select); coding-DNA position 6711, T replaced by G.
Protein change: p.Asp2237Glu; replaces aspartic acid 2237 with glutamic acid.
Molecular consequence: missense variant.
Genome position (GRCh38, 1-based): chr2:21,010,157, A>C on the plus strand (T>G on the coding strand, the complement: APOB is on the minus strand). VCF-style: chr2-21010157-A-C. GRCh37 (hg19) VCF-style: chr2-21233029-A-C.
Other names: p.Asp2237Glu; short protein forms D2237E.
Identifiers: ClinVar variation 3308072 (VCV003308072.2).